The following is an entry in ClinVar:

NM_130468.4(CHST14):c.1109C>G (p.Thr370Ser)

Gene: CHST14 (carbohydrate sulfotransferase 14; plus strand). Cytogenetic location: 15q15.1.
Variant type: single nucleotide variant.
Coding change: c.1109C>G on transcript NM_130468.4 (MANE Select); coding-DNA position 1109, C replaced by G.
Protein change: p.Thr370Ser; replaces threonine 370 with serine.
Molecular consequence: missense variant.
Genome position (GRCh38, 1-based): chr15:40,472,322, C>G. VCF-style: chr15-40472322-C-G. GRCh37 (hg19) VCF-style: chr15-40764521-C-G.
Other names: short protein forms T370S.
Identifiers: ClinVar variation 1794498 (VCV001794498.2), dbSNP rs1458869114, ClinGen allele CA391769080.

ClinVar aggregate classification (germline): Uncertain significance (1 of 4 stars; one submission).

Conditions:
Cardiovascular phenotype. Identifiers: MedGen CN230736.

Allele frequency attached by ClinVar (database versions not stated): gnomAD exomes 0.00001.
gnomAD v4.1: 3 of 1,597,756 alleles (0.00019%); highest among the groups gnomAD compares: Non-Finnish European, 0.00026%; no homozygotes.

Submission:

Ambry Genetics
Classification: Uncertain significance for Cardiovascular phenotype. Last evaluated: 2022-01-26. Review status: criteria provided, single submitter. Criteria: Ambry Variant Classification Scheme 2023. Collection method: clinical testing. Allele origin: germline.
Comment: The p.T370S variant (also known as c.1109C>G), located in coding exon 1 of the CHST14 gene, results from a C to G substitution at nucleotide position 1109. The threonine at codon 370 is replaced by serine, an amino acid with similar properties. This amino acid position is highly conserved in available vertebrate species. In addition, the in silico prediction for this alteration is inconclusive. Since supporting evidence is limited at this time, the clinical significance of this alteration remains unclear.